The following is an entry in ClinVar:

NM_001999.4(FBN2):c.4249C>T (p.His1417Tyr)

Gene: FBN2 (fibrillin 2; minus strand). Cytogenetic location: 5q23.3.
Variant type: single nucleotide variant.
Coding change: c.4249C>T on transcript NM_001999.4 (MANE Select); coding-DNA position 4249, C replaced by T.
Protein change: p.His1417Tyr; replaces histidine 1417 with tyrosine.
Molecular consequence: missense variant.
Genome position (GRCh38, 1-based): chr5:128,330,669, G>A on the plus strand (C>T on the coding strand, the complement: FBN2 is on the minus strand). VCF-style: chr5-128330669-G-A. GRCh37 (hg19) VCF-style: chr5-127666361-G-A.
Other names: short protein forms H1417Y.
Identifiers: ClinVar variation 213325 (VCV000213325.5), dbSNP rs863223572, ClinGen allele CA323229.

ClinVar aggregate classification (germline): Conflicting classifications of pathogenicity. Review status: criteria provided, conflicting classifications (1 of 4 stars). 2 submissions from 2 submitters: Likely pathogenic (1); Uncertain significance (1). Last evaluated 2022-07-19.

Conditions:
Connective tissue disorder. Also called: Connective tissue disease. Identifiers: MedGen C0009782, MONDO:0003900.

Submissions (2):

Genome Diagnostics Laboratory, The Hospital for Sick Children
Classification: Uncertain significance for Connective tissue disorder. Last evaluated: 2022-07-19. Review status: criteria provided, single submitter. Criteria: ACMG Guidelines, 2015. Collection method: clinical testing. Allele origin: germline.

GeneDx
Classification: Likely pathogenic. Last evaluated: 2014-03-24. Review status: criteria provided, single submitter. Criteria: GeneDx Variant Classification (06012015). Collection method: clinical testing. Allele origin: germline. Affected: yes.
Comment: p.His1417Tyr (CAC>TAC): c.4249 C>T in exon 33 of the FBN2 gene (NM_001999.3) The H1417Y variant has not been published as a mutation or has it been reported as a benign polymorphism to our knowledge. The H1417Y variant was not observed in approximately 6,500 individuals of European and African American ancestry in the NHLBI Exome Sequencing Project, indicating it is not a common benign variant in these populations. The H1417Y variant is a non-conservative amino acid substitution, which is likely to impact secondary protein structure as these residues differ in polarity, charge, size and/or other properties. In silico analysis predicts this variant is probably damaging to the protein structure/function. Located in the EGF-like 23 calcium-binding domain, missense mutations in the same domain (D1408N, C1425R, C1425Y, 1425F) have been reported in association with congenital contractural arachnodactyly, supporting the functional importance of this region of the protein. Therefore, this variant is a strong candidate for a pathogenic mutation, however the possibility that it is a benign variant cannot be excluded. This variant was found in TAAD